The following is an entry in ClinVar:

NM_000051.4(ATM):c.3285-13_3285-9del

Gene: ATM (ATM serine/threonine kinase; plus strand). Cytogenetic location: 11q22.3.
Variant type: Deletion.
Coding change: c.3285-13_3285-9del on transcript NM_000051.4 (MANE Select); 13 bases into the intron before coding-DNA position 3285 through 9 bases into the intron before coding-DNA position 3285, 5 bases deleted (TGCTT; older notation c.3285-13_3285-9delTGCTT).
Molecular consequence: intron variant.
Genome position (GRCh38, 1-based): chr11:108,279,478-108,279,482, TGCTT deleted; deleting any 5 consecutive bases within chr11:108,279,477-108,279,482 gives the same sequence; the c. name uses the placement nearest the transcript's 3' end. VCF-style (leftmost placement, unchanged base first): chr11-108279476-CTTGCT-C. GRCh37 (hg19) VCF-style: chr11-108150203-CTTGCT-C.
Other names: c.3285-13_3285-9del (NM_001351834.2).
Identifiers: ClinVar variation 1137401 (VCV001137401.10), dbSNP rs2082112477, ClinGen allele CA1998785427.

ClinVar aggregate classification (germline): Likely benign. Review status: criteria provided, multiple submitters, no conflicts (2 of 4 stars). 2 submissions from 2 submitters: Likely benign (2). Last evaluated 2025-08-11.

Conditions:
Familial cancer of breast. Also called: Hereditary breast cancer; BREAST CANCER, FAMILIAL; hereditary breast carcinoma. Identifiers: Orphanet 227535, MedGen C0346153, MONDO:0016419, OMIM 114480. Disease mechanism: loss of function.
Ataxia-telangiectasia syndrome (AT). Also called: ATAXIA-TELANGIECTASIA, COMPLEMENTATION GROUP A; Ataxia telangiectasia (A-T); Cerebello-oculocutaneous telangiectasia; Immunodeficiency with ataxia telangiectasia; ATAXIA-TELANGIECTASIA, FRESNO VARIANT; Ataxia-telangiectasia, complementation group D. Identifiers: Orphanet 100, MedGen C0004135, MONDO:0008840, OMIM 208900.

Submissions (2):

Labcorp Genetics (formerly Invitae), Labcorp
Classification: Likely benign for Ataxia-telangiectasia syndrome. Last evaluated: 2025-08-11. Review status: criteria provided, single submitter. Criteria: Invitae Variant Classification Sherloc (09022015). Collection method: clinical testing. Allele origin: germline.

Myriad Genetics, Inc.
Classification: Likely benign for Familial cancer of breast. Last evaluated: 2024-05-14. Review status: criteria provided, single submitter. Criteria: Myriad Autosomal Dominant, Autosomal Recessive and X-Linked Classification Criteria (2023). Collection method: clinical testing. Allele origin: unknown.
Comment: This variant is considered likely benign. This variant is intronic and is not expected to impact mRNA splicing.